The following is an entry in ClinVar:

NM_006514.4(SCN10A):c.1305A>G (p.Leu435=)

Gene: SCN10A (sodium voltage-gated channel alpha subunit 10; minus strand). Cytogenetic location: 3p22.2.
Variant type: single nucleotide variant.
Coding change: c.1305A>G on transcript NM_006514.4 (MANE Select); coding-DNA position 1305, A replaced by G.
Protein change: p.Leu435=; no amino-acid change (leucine 435 retained).
Molecular consequence: synonymous variant.
Genome position (GRCh38, 1-based): chr3:38,755,944, T>C on the plus strand (A>G on the coding strand, the complement: SCN10A is on the minus strand). VCF-style: chr3-38755944-T-C. GRCh37 (hg19) VCF-style: chr3-38797435-T-C.
Other names: c.1305A>G, p.Leu435= (NM_001293306.2, NM_001293307.2).
Identifiers: ClinVar variation 515087 (VCV000515087.10), dbSNP rs1345381163, ClinGen allele CA433139855.
Genomic context (GRCh38, chr3:38,755,944, plus strand): 5'-GGCATTTTTGGAGGTTAAAGGTGATCCATTGTGGGAGTGGAGAGAGGTTGTGTCAATCCC[T>C]AGTGCTGCTAGCACCTGCGAAGAGAGAACAGCAGGTGTAGCCAATAGTATTTGCTTGGAC-3'
Protein context (NP_006505.4, residues 425-445): LRKEQEVLAA[Leu435=]GIDTTSLHSH

ClinVar aggregate classification (germline): Likely benign. Review status: criteria provided, multiple submitters, no conflicts (2 of 4 stars). 3 submissions from 3 submitters: Likely benign (3). Last evaluated 2022-07-12.

Conditions:
Cardiovascular phenotype. Identifiers: MedGen CN230736.
Brugada syndrome. Also called: Sudden unexpected nocturnal death syndrome; Sudden unexplained nocturnal death syndrome; Sudden Unexplained Death Syndrome; Sudden Unexplained Nocturnal Death Syndrome (SUNDS). Identifiers: Orphanet 130, MedGen C1142166, MONDO:0015263.

Allele frequency attached by ClinVar (database versions not stated): gnomAD exomes below 0.00001; TOPMed below 0.00001; gnomAD 0.00003.
gnomAD v4.1: 1 of 1,614,200 alleles (0.000062%); highest among the groups gnomAD compares: Non-Finnish European, 0.000085%; no homozygotes.

Submissions (3):

Labcorp Genetics (formerly Invitae), Labcorp
Classification: Likely benign for Brugada syndrome. Last evaluated: 2022-07-12. Review status: criteria provided, single submitter. Criteria: Invitae Variant Classification Sherloc (09022015). Collection method: clinical testing. Allele origin: germline.

Ambry Genetics
Classification: Likely benign for Cardiovascular phenotype. Last evaluated: 2019-07-11. Review status: criteria provided, single submitter. Criteria: Ambry Variant Classification Scheme 2023. Collection method: clinical testing. Allele origin: germline.

GeneDx
Classification: Likely benign. Last evaluated: 2018-01-25. Review status: criteria provided, single submitter. Criteria: GeneDx Variant Classification (06012015). Collection method: clinical testing. Allele origin: germline. Affected: yes.
Comment: This variant is considered likely benign or benign based on one or more of the following criteria: it is a conservative change, it occurs at a poorly conserved position in the protein, it is predicted to be benign by multiple in silico algorithms, and/or has population frequency not consistent with disease.